The following is an entry in ClinVar:

NM_003872.3(NRP2):c.2090G>A (p.Gly697Asp)

Gene: NRP2 (neuropilin 2; plus strand). Cytogenetic location: 2q33.3.
Variant type: single nucleotide variant.
Coding change: c.2090G>A on transcript NM_003872.3 (MANE Select); coding-DNA position 2090, G replaced by A.
Protein change: p.Gly697Asp; replaces glycine 697 with aspartic acid.
Molecular consequence: missense variant.
Genome position (GRCh38, 1-based): chr2:205,763,719, G>A. VCF-style: chr2-205763719-G-A. GRCh37 (hg19) VCF-style: chr2-206628443-G-A.
Other names: c.2090G>A, p.Gly697Asp (NM_018534.4, NM_201266.2, NM_201267.2 and 1 more transcripts); short protein forms G697D.
Identifiers: ClinVar variation 2343456 (VCV002343456.4), dbSNP rs528004763, ClinGen allele CA2069316.

ClinVar aggregate classification (germline): Uncertain significance. Review status: criteria provided, single submitter (1 of 4 stars). 2 submissions from 2 submitters: Uncertain significance (1). 1 of the submissions does not count toward it. Last evaluated 2025-04-18.

Conditions:
NRP2-related disorder. Also called: NRP2-related condition.

Allele frequency attached by ClinVar (database versions not stated): ExAC 0.00007; TOPMed 0.00002; 1000 Genomes Project 0.00020; gnomAD 0.00003; 1000 Genomes Project 30x 0.00031.
gnomAD v4.1: 26 of 1,614,246 alleles (0.0016%); highest among the groups gnomAD compares: Admixed American, 0.042%; no homozygotes.

Submissions (2):

Ambry Genetics
Classification: Uncertain significance. Last evaluated: 2025-04-18. Review status: criteria provided, single submitter. Criteria: Ambry Variant Classification Scheme 2023. Collection method: clinical testing. Allele origin: germline.

PreventionGenetics, part of Exact Sciences
Classification: Uncertain significance for NRP2-related condition. Last evaluated: 2024-04-04. Review status: no assertion criteria provided. Collection method: clinical testing. Allele origin: germline. Not counted in ClinVar's aggregate classification.
Comment: The NRP2 c.2090G>A variant is predicted to result in the amino acid substitution p.Gly697Asp. To our knowledge, this variant has not been reported in the literature. This variant is reported in 0.062% of alleles in individuals of Latino descent in gnomAD, which may be too common to be an unreported cause of disease. Although we suspect that this variant may be benign, at this time its clinical significance is uncertain due to the absence of conclusive functional and genetic evidence.